The following is an entry in ClinVar:

NM_015884.4(MBTPS2):c.550G>A (p.Val184Ile)

Gene: MBTPS2 (membrane bound transcription factor peptidase, site 2; plus strand). Cytogenetic location: Xp22.12.
Variant type: single nucleotide variant.
Coding change: c.550G>A on transcript NM_015884.4 (MANE Select); coding-DNA position 550, G replaced by A.
Protein change: p.Val184Ile; replaces valine 184 with isoleucine.
Molecular consequence: missense variant.
Genome position (GRCh38, 1-based): chrX:21,853,383, G>A. VCF-style: chrX-21853383-G-A. GRCh37 (hg19) VCF-style: chrX-21871501-G-A.
Other names: short protein forms V184I.
Identifiers: ClinVar variation 2694075 (VCV002694075.3), dbSNP rs2519562764, ClinGen allele CA412562931.

ClinVar aggregate classification (germline): Uncertain significance (1 of 4 stars; one submission).

Submission:

Labcorp Genetics (formerly Invitae), Labcorp
Classification: Uncertain significance. Last evaluated: 2023-12-26. Review status: criteria provided, single submitter. Criteria: Invitae Variant Classification Sherloc (09022015). Collection method: clinical testing. Allele origin: germline.
Comment: This sequence change replaces valine, which is neutral and non-polar, with isoleucine, which is neutral and non-polar, at codon 184 of the MBTPS2 protein (p.Val184Ile). This variant is not present in population databases (gnomAD no frequency). This variant has not been reported in the literature in individuals affected with MBTPS2-related conditions. Advanced modeling of protein sequence and biophysical properties (such as structural, functional, and spatial information, amino acid conservation, physicochemical variation, residue mobility, and thermodynamic stability) performed at Invitae indicates that this missense variant is not expected to disrupt MBTPS2 protein function with a negative predictive value of 80%. In summary, the available evidence is currently insufficient to determine the role of this variant in disease. Therefore, it has been classified as a Variant of Uncertain Significance.